The following is an entry in ClinVar:

ClinVar aggregate classification (germline): Pathogenic (1 of 4 stars; one submission).

Conditions:
Ehlers-Danlos syndrome, dermatosparaxis type. Also called: Ehlers-Danlos syndrome, type VII, autosomal recessive; EDS VIIC; Dermatosparaxis. Identifiers: Orphanet 1901, MedGen C2700425, MONDO:0009161, OMIM 225410.

Submission:

Labcorp Genetics (formerly Invitae), Labcorp
Classification: Pathogenic for Ehlers-Danlos syndrome, dermatosparaxis type. Last evaluated: 2019-01-23. Review status: criteria provided, single submitter. Criteria: Invitae Variant Classification Sherloc (09022015). Collection method: clinical testing. Allele origin: germline.
Comment: This sequence change creates a premature translational stop signal (p.Ala231Profs*16) in the ADAMTS2 gene. It is expected to result in an absent or disrupted protein product. This variant is not present in population databases (ExAC no frequency). This variant has not been reported in the literature in individuals with ADAMTS2-related conditions. Loss-of-function variants in ADAMTS2 are known to be pathogenic (PMID: 10417273). For these reasons, this variant has been classified as Pathogenic.

Literature cited by the submitters: PubMed 10417273.

NC_000005.10:g.179207716del

Gene: ADAMTS2 (ADAM metallopeptidase with thrombospondin type 1 motif 2; minus strand). Cytogenetic location: 5q35.3.
Variant type: Deletion.
Genome position: GRCh38 VCF-style: chr5-179207712-GC-G. GRCh37 (hg19) VCF-style: chr5-178634713-GC-G.
Identifiers: ClinVar variation 836198 (VCV000836198.9), dbSNP rs1764738425, ClinGen allele CA916084269.